The following is an entry in ClinVar:

NR_002728.4(KCNQ1OT1):n.48676G>A

Genes: KCNQ1 (potassium voltage-gated channel subfamily Q member 1; plus strand), KCNQ1OT1 (KCNQ1 opposite strand/antisense transcript 1; minus strand). Cytogenetic location: 11p15.5.
Variant type: single nucleotide variant.
Molecular consequence: non-coding transcript variant (on NR_002728.4). On other transcripts: intron variant (5).
Genome position: GRCh38 VCF-style: chr11-2651319-C-T. GRCh37 (hg19) VCF-style: chr11-2672549-C-T.
Other names: c.1124-10642C>T (NM_001406837.1); c.1394-10642C>T (NM_000218.3); c.1298-10642C>T (NM_001406836.1); c.854-10642C>T (NM_001406838.1); c.1013-10642C>T (NM_181798.2).
Identifiers: ClinVar variation 4986591 (VCV004986591.1).
Genomic context (GRCh38, chr11:2,651,319, plus strand): 5'-GCTGGTCACTTATTGAGAAAGAGCTTCATGGTGGGCAGCTGGGAAGCTGCACAGAACACT[C>T]CTCAGAGTTCTACAAGCGGCTGAGAGAGCTGGGGTATTTATCTTTCACTAGTGAGTGCTG-3'

ClinVar aggregate classification (germline): Uncertain significance (1 of 4 stars; one submission).

Conditions:
KCNQ1OT1-related disorder. Also called: KCNQ1OT1-related condition.

gnomAD v4.1: 7 of 398,578 alleles (0.0018%); highest among the groups gnomAD compares: African/African-American, 0.0041%; no homozygotes.

Submission:

PreventionGenetics, part of Exact Sciences
Classification: Uncertain significance for KCNQ1OT1-related condition. Last evaluated: 2026-04-04. Review status: criteria provided, single submitter. Criteria: ACMG Guidelines, 2015. Collection method: clinical testing. Allele origin: germline.
Comment: The KCNQ1OT1 n.48680G>A is a noncoding alteration. To our knowledge, this variant has not been reported in the literature or in a large population database (gnomAD), indicating this variant is rare. At this time, the clinical significance of this variant is uncertain due to the absence of conclusive functional and genetic evidence.